The following is an entry in ClinVar:

ClinVar aggregate classification (germline): Likely benign (1 of 4 stars; one submission).

Allele frequency attached by ClinVar (database versions not stated): 1000 Genomes Project 0.00200; 1000 Genomes Project 30x 0.00234; TOPMed 0.00606; gnomAD 0.00680; ESP Exome Variant Server 0.00723; ExAC 0.00760; gnomAD exomes 0.00912.

Submission:

CeGaT Center for Human Genetics Tuebingen
Classification: Likely benign. Last evaluated: 2026-07-01. Review status: criteria provided, single submitter. Criteria: CeGaT Center For Human Genetics Tuebingen Variant Classification Criteria Version 2. Collection method: clinical testing. Allele origin: germline. Affected: yes. Observed: 6 variant alleles.
Comment: MNX1: BS2

NM_005515.4(MNX1):c.691+667C>A

Gene: MNX1 (motor neuron and pancreas homeobox 1; minus strand). Cytogenetic location: 7q36.3.
Variant type: single nucleotide variant.
Coding change: c.691+667C>A on transcript NM_005515.4 (MANE Select); 667 bases into the intron after coding-DNA position 691, C replaced by A.
Molecular consequence: intron variant.
Genome position (GRCh38, 1-based): chr7:157,008,993, G>T on the plus strand (C>A on the coding strand, the complement: MNX1 is on the minus strand). VCF-style: chr7-157008993-G-T. GRCh37 (hg19) VCF-style: chr7-156801687-G-T.
Other names: c.55+5C>A (NM_001165255.2).
Identifiers: ClinVar variation 2658281 (VCV002658281.24), dbSNP rs151220659, ClinGen allele CA4589228.